The following is an entry in ClinVar:

ClinVar aggregate classification (germline): Likely benign (1 of 4 stars; one submission).

Submission:

CeGaT Center for Human Genetics Tuebingen
Classification: Likely benign. Last evaluated: 2026-04-01. Review status: criteria provided, single submitter. Criteria: CeGaT Center For Human Genetics Tuebingen Variant Classification Criteria Version 2. Collection method: clinical testing. Allele origin: germline. Affected: yes. Observed: 1 variant allele.
Comment: TMEM94: PM2:Supporting, BP4, BP7

NM_014738.6(TMEM94):c.3273G>A (p.Lys1091=)

Gene: TMEM94 (transmembrane protein 94; plus strand). Cytogenetic location: 17q25.1.
Variant type: single nucleotide variant.
Coding change: c.3273G>A on transcript NM_014738.6 (MANE Select); coding-DNA position 3273, G replaced by A.
Protein change: p.Lys1091=; no amino-acid change (lysine 1091 retained).
Molecular consequence: synonymous variant. On other transcripts: intron variant (2).
Genome position (GRCh38, 1-based): chr17:75,496,759, G>A. VCF-style: chr17-75496759-G-A. GRCh37 (hg19) VCF-style: chr17-73492840-G-A.
Other names: c.3303G>A, p.Lys1101= (NM_001321148.2, NM_001438844.1); c.3285G>A, p.Lys1095= (NM_001321149.2); c.3225G>A, p.Lys1075= (NM_001351202.2); c.3300G>A, p.Lys1100= (NM_001351203.2); c.3273G>A, p.Lys1091= (NM_001438841.1); c.3315G>A, p.Lys1105= (NM_001438842.1, NM_001438843.1); c.3282G>A, p.Lys1094= (NM_001438845.1); c.3255G>A, p.Lys1085= (NM_001438846.1); and 2 more.
Identifiers: ClinVar variation 4874790 (VCV004874790.2).